The following is an entry in ClinVar:

NM_005120.3(MED12):c.610T>A (p.Tyr204Asn)

Gene: MED12 (mediator complex subunit 12; plus strand). Cytogenetic location: Xq13.1.
Variant type: single nucleotide variant.
Coding change: c.610T>A on transcript NM_005120.3 (MANE Select); coding-DNA position 610, T replaced by A.
Protein change: p.Tyr204Asn; replaces tyrosine 204 with asparagine.
Molecular consequence: missense variant.
Genome position (GRCh38, 1-based): chrX:71,121,027, T>A. VCF-style: chrX-71121027-T-A. GRCh37 (hg19) VCF-style: chrX-70340877-T-A.
Other names: short protein forms Y204N.
Identifiers: ClinVar variation 2446333 (VCV002446333.1), dbSNP rs2519665930, ClinGen allele CA413500616.

ClinVar aggregate classification (germline): Uncertain significance (1 of 4 stars; one submission).

Submission:

GeneDx
Classification: Uncertain significance. Last evaluated: 2022-09-27. Review status: criteria provided, single submitter. Criteria: GeneDx Variant Classification Process June 2021. Collection method: clinical testing. Allele origin: germline. Affected: yes.
Comment: Not observed at significant frequency in large population cohorts (gnomAD); In silico analysis supports that this missense variant has a deleterious effect on protein structure/function; Has not been previously published as pathogenic or benign to our knowledge